The following is an entry in ClinVar:

ClinVar aggregate classification (germline): Likely benign. Review status: criteria provided, multiple submitters, no conflicts (2 of 4 stars). 5 submissions from 5 submitters: Likely benign (5). Last evaluated 2026-05-30.

Conditions:
Cardiovascular phenotype. Identifiers: MedGen CN230736.
TTN-related disorder. Also called: TTN-related disorders; TTN-related condition; TTN-related disease.
Dilated cardiomyopathy 1G (CMD1G). Identifiers: Orphanet 154, MedGen C1858763, MONDO:0011400, OMIM 604145.
Autosomal recessive limb-girdle muscular dystrophy type 2J (LGMDR10). Also called: MUSCULAR DYSTROPHY, LIMB-GIRDLE, AUTOSOMAL RECESSIVE 10; Limb-girdle muscular dystrophy, type 2J. Identifiers: Orphanet 140922, MedGen C1837342, MONDO:0012127, OMIM 608807.

Allele frequency attached by ClinVar (database versions not stated): gnomAD exomes below 0.00001 and 0.00006; ExAC 0.00001; gnomAD 0.00003 and 0.00004; TOPMed 0.00004.
gnomAD v4.1: 97 of 1,612,490 alleles (0.006%); highest among the groups gnomAD compares: Non-Finnish European, 0.0078%; no homozygotes.

Submissions (5):

Women's Health and Genetics/Laboratory Corporation of America, LabCorp
Classification: Likely benign. Last evaluated: 2026-05-30. Review status: criteria provided, single submitter. Criteria: LabCorp Variant Classification Summary - May 2015. Collection method: clinical testing. Allele origin: germline.

PreventionGenetics, part of Exact Sciences
Classification: Likely benign for TTN-related condition. Last evaluated: 2025-12-26. Review status: criteria provided, single submitter. Criteria: ACMG Guidelines, 2015. Collection method: clinical testing. Allele origin: germline.
Comment: This variant is classified as likely benign based on ACMG/AMP sequence variant interpretation guidelines (Richards et al. 2015 PMID: 25741868, with internal and published modifications).

Labcorp Genetics (formerly Invitae), Labcorp
Classification: Likely benign for Dilated cardiomyopathy 1G; Autosomal recessive limb-girdle muscular dystrophy type 2J. Last evaluated: 2025-04-11. Review status: criteria provided, single submitter. Criteria: Invitae Variant Classification Sherloc (09022015). Collection method: clinical testing. Allele origin: germline.

Blueprint Genetics
Classification: Likely benign. Last evaluated: 2024-06-26. Review status: criteria provided, single submitter. Criteria: ACMG Guidelines, 2015. Collection method: clinical testing. Allele origin: germline.

Ambry Genetics
Classification: Likely benign for Cardiovascular phenotype. Last evaluated: 2019-03-01. Review status: criteria provided, single submitter. Criteria: Ambry Variant Classification Scheme 2023. Collection method: clinical testing. Allele origin: germline.

NM_001267550.2(TTN):c.49128C>T (p.Arg16376=)

Genes: TTN (titin; minus strand), TTN-AS1 (TTN antisense RNA 1; plus strand), LOC126806426 (BRD4-independent group 4 enhancer GRCh37_chr2:179478848-179480047; plus strand). Cytogenetic location: 2q31.2.
Variant type: single nucleotide variant.
Coding change: c.49128C>T on transcript NM_001267550.2 (MANE Select); coding-DNA position 49128, C replaced by T.
Protein change: p.Arg16376=; no amino-acid change (arginine 16376 retained).
Molecular consequence: synonymous variant. On other transcripts: non-coding transcript variant (1).
Genome position (GRCh38, 1-based): chr2:178,614,269, G>A on the plus strand (C>T on the coding strand, the complement: TTN is on the minus strand). VCF-style: chr2-178614269-G-A. GRCh37 (hg19) VCF-style: chr2-179478996-G-A.
Other names: c.44205C>T, p.Arg14735= (NM_001256850.1); c.21933C>T, p.Arg7311= (NM_003319.4); c.41424C>T, p.Arg13808= (NM_133378.4); c.22308C>T, p.Arg7436= (NM_133432.3); c.22509C>T, p.Arg7503= (NM_133437.4).
Identifiers: ClinVar variation 695841 (VCV000695841.16), dbSNP rs779532675, ClinGen allele CA1994668.
Genomic context (GRCh38, chr2:178,614,269, plus strand): 5'-TTCACTATCAGTTGCTCGTCTCTCCACAACATAGTTTGTGATCTTAGATCCACCATCATC[G>A]CGTGGTGGGTTCCATGTTAGAAGACATGACTCATTGGTTACATCTGTGATGTCAAAGGCA-3'
Protein context (NP_001254479.2, residues 16366-16386): ESCLLTWNPP[Arg16376=]DDGGSKITNY